The following is an entry in ClinVar:

NM_005726.6(TSFM):c.637G>A (p.Val213Ile)

Gene: TSFM (Ts translation elongation factor, mitochondrial; plus strand). Cytogenetic location: 12q14.1.
Variant type: single nucleotide variant.
Coding change: c.637G>A on transcript NM_005726.6 (MANE Select); coding-DNA position 637, G replaced by A.
Protein change: p.Val213Ile; replaces valine 213 with isoleucine.
Molecular consequence: missense variant. On other transcripts: 3 prime UTR variant (1), intron variant (1).
Genome position (GRCh38, 1-based): chr12:57,796,242, G>A. VCF-style: chr12-57796242-G-A. GRCh37 (hg19) VCF-style: chr12-58190025-G-A.
Other names: c.*45G>A (NM_001172695.2); c.700G>A, p.Val234Ile (NM_001172696.2); c.571+3169G>A (NM_001172697.2); c.700G>A (NM_001172696.1); short protein forms V234I, V213I.
Identifiers: ClinVar variation 1448452 (VCV001448452.5), dbSNP rs143207991, ClinGen allele CA6659422.

ClinVar aggregate classification (germline): Uncertain significance. Review status: criteria provided, multiple submitters, no conflicts (2 of 4 stars). 3 submissions from 3 submitters: Uncertain significance (2). 1 of the submissions does not count toward it. Last evaluated 2023-05-09.

Conditions:
TSFM-related disorder. Also called: TSFM-related condition.
Inborn genetic diseases. Identifiers: MedGen C0950123, MeSH D030342.

Allele frequency attached by ClinVar (database versions not stated): gnomAD exomes 0.00004; ExAC 0.00006; gnomAD 0.00007 and 0.00009; ESP Exome Variant Server 0.00008; TOPMed 0.00013.
gnomAD v4.1: 54 of 1,613,240 alleles (0.0033%); highest among the groups gnomAD compares: African/African-American, 0.032%; no homozygotes.

Submissions (3):

Ambry Genetics
Classification: Uncertain significance for Inborn genetic diseases. Last evaluated: 2023-05-09. Review status: criteria provided, single submitter. Criteria: Ambry Variant Classification Scheme 2023. Collection method: clinical testing. Allele origin: germline.

Labcorp Genetics (formerly Invitae), Labcorp
Classification: Uncertain significance. Last evaluated: 2022-09-01. Review status: criteria provided, single submitter. Criteria: Invitae Variant Classification Sherloc (09022015). Collection method: clinical testing. Allele origin: germline.
Comment: This sequence change replaces valine, which is neutral and non-polar, with isoleucine, which is neutral and non-polar, at codon 234 of the TSFM protein (p.Val234Ile). This variant is present in population databases (rs143207991, gnomAD 0.03%). This variant has not been reported in the literature in individuals affected with TSFM-related conditions. ClinVar contains an entry for this variant (Variation ID: 1448452). Algorithms developed to predict the effect of missense changes on protein structure and function output the following: SIFT: "Tolerated"; PolyPhen-2: "Benign"; Align-GVGD: "Class C0". The isoleucine amino acid residue is found in multiple mammalian species, which suggests that this missense change does not adversely affect protein function. In summary, the available evidence is currently insufficient to determine the role of this variant in disease. Therefore, it has been classified as a Variant of Uncertain Significance.

PreventionGenetics, part of Exact Sciences
Classification: Uncertain significance for TSFM-related condition. Last evaluated: 2024-03-28. Review status: no assertion criteria provided. Collection method: clinical testing. Allele origin: germline. Not counted in ClinVar's aggregate classification.
Comment: The TSFM c.700G>A variant is predicted to result in the amino acid substitution p.Val234Ile. To our knowledge, this variant has not been reported in the literature. This variant is reported in 0.032% of alleles in individuals of African descent in gnomAD. At this time, the clinical significance of this variant is uncertain due to the absence of conclusive functional and genetic evidence.